The following is an entry in ClinVar:

ClinVar aggregate classification (germline): Pathogenic/Likely pathogenic. Review status: criteria provided, multiple submitters, no conflicts (2 of 4 stars). 8 submissions from 8 submitters: Pathogenic (3); Likely pathogenic (3). 2 of the submissions do not count toward it. Last evaluated 2025-12-19.

Conditions:
CFTR-related disorder (CFTR-RD). Also called: CFTR-related disorders; CFTR-related condition. Identifiers: MedGen C5924204, MONDO:7770004.
Cystic fibrosis (CF). Also called: MUCOVISCIDOSIS. Identifiers: Orphanet 586, MedGen C0010674, MONDO:0009061, OMIM 219700. Disease mechanism: loss of function.
Bronchiectasis with or without elevated sweat chloride 1 (BESC1). Also called: Cystic Fibrosis-Like Syndrome. Identifiers: Orphanet 60033, MedGen C2749757, MONDO:0008887, OMIM 211400.

Allele frequency attached by ClinVar (database versions not stated): gnomAD exomes below 0.00001; ExAC 0.00001.

Submissions (8):

Labcorp Genetics (formerly Invitae), Labcorp
Classification: Pathogenic for Cystic fibrosis. Last evaluated: 2025-12-19. Review status: criteria provided, single submitter. Criteria: Invitae Variant Classification Sherloc (09022015). Collection method: clinical testing. Allele origin: germline.
Comment: This sequence change replaces isoleucine, which is neutral and non-polar, with arginine, which is basic and polar, at codon 1005 of the CFTR protein (p.Ile1005Arg). This variant is not present in population databases (gnomAD no frequency). This missense change has been observed in individual(s) with cystic fibrosis (PMID: 7525450). In at least one individual the data is consistent with being in trans (on the opposite chromosome) from a pathogenic variant. ClinVar contains an entry for this variant (Variation ID: 53626). Invitae Evidence Modeling of protein sequence and biophysical properties (such as structural, functional, and spatial information, amino acid conservation, physicochemical variation, residue mobility, and thermodynamic stability) indicates that this missense variant is expected to disrupt CFTR protein function with a positive predictive value of 80%. For these reasons, this variant has been classified as Pathogenic.

Ambry Genetics
Classification: Likely pathogenic for Cystic fibrosis. Last evaluated: 2025-10-29. Review status: criteria provided, single submitter. Criteria: Ambry Variant Classification Scheme 2023. Collection method: clinical testing. Allele origin: germline.
Comment: The p.I1005R variant (also known as c.3014T>G), located in coding exon 19 of the CFTR gene, results from a T to G substitution at nucleotide position 3014. The isoleucine at codon 1005 is replaced by arginine, an amino acid with similar properties. This variant has been identified in conjunction with the CFTR F508del pathogenic variant in individuals with features consistent with a diagnosis of cystic fibrosis; in at least one instance, the variants were identified in trans (Smith RJ et al. Biochem Biophys Res Commun. 1975 Oct;66:1281-6; D&ouml;rk T et al. Hum Genet. 1994 Nov;94:533-42; Castaldo G et al. Ann Hum Genet. 2005 Jan;69:15-24; Teder M et al. J Med Genet. 2000 Aug;37:E16; Salinas DB et al. PLoS One. 2016 May;11:e0155624; Ambry internal data). In an assay testing CFTR function, this variant showed a functionally abnormal result (Bihler H et al. J Cyst Fibros. 2024 Jul;23:664-675). This amino acid position is poorly conserved in available vertebrate species. In addition, this alteration is predicted to be deleterious by in silico analysis. This variant is considered to be rare based on population cohorts in the Genome Aggregation Database (gnomAD). Based on the majority of available evidence to date, this variant is likely to be pathogenic

Natera, Inc.
Classification: Pathogenic for CFTR-related disorders. Last evaluated: 2025-04-01. Review status: criteria provided, single submitter. Criteria: Natera Variant Classification Schema (03/2026). Collection method: clinical testing. Allele origin: germline.
Comment: The c.3014T>G variant in CFTR is a missense variant predicted to cause substitution of isoleucine to arginine at amino acid 1005. This variant is rare in the general population with a frequency below the threshold expected for the associated phenotype(s). This variant has been observed in one or more individuals affected with the associated recessive disease, as either homozygous or compound heterozygous with a second variant (PMID: 7525450, 27214204, 15772171, 10922396, 37686190, 37560893). Functional studies show that this variant may disrupt protein function (PMID: 38388235). Computational prediction algorithms indicate this variant is likely to affect gene or protein function. Given the available evidence, this variant is classified as Pathogenic.

Women's Health and Genetics/Laboratory Corporation of America, LabCorp
Classification: Pathogenic for Cystic fibrosis. Last evaluated: 2025-01-31. Review status: criteria provided, single submitter. Criteria: LabCorp Variant Classification Summary - May 2015. Collection method: clinical testing. Allele origin: germline.
Comment: Variant summary: CFTR c.3014T>G (p.Ile1005Arg) results in a non-conservative amino acid change located in the ABC transporter type 1, transmembrane domain of the encoded protein sequence. Five of five in-silico tools predict a damaging effect of the variant on protein function. The variant allele was found at a frequency of 4e-06 in 251172 control chromosomes (gnomAD). c.3014T>G has been reported in the literature in individuals affected with Cystic Fibrosis along with the well-known pathogenic variant F508del (Dork_1994, Teder_2000, DeBoeck_2005, Salinas_2016). These data indicate that the variant is likely to be associated with disease. At least one publication reports experimental evidence evaluating an impact on protein function. The most pronounced variant effect resulted in approximately 2% of normal chloride channel conductance relative to wild type (Bihler_2024). The following publications have been ascertained in the context of this evaluation (PMID: 7525450, 10922396, 15772171, 27214204, 38388235). ClinVar contains an entry for this variant (Variation ID: 53626). Based on the evidence outlined above, the variant was classified as pathogenic.

Baylor Genetics
Classification: Likely pathogenic for Bronchiectasis with or without elevated sweat chloride 1. Last evaluated: 2023-10-15. Review status: criteria provided, single submitter. Criteria: ACMG Guidelines, 2015. Collection method: clinical testing. Allele origin: unknown.

Institute of Human Genetics, University of Leipzig Medical Center
Classification: Likely pathogenic for Cystic fibrosis. Last evaluated: 2022-09-05. Review status: criteria provided, single submitter. Criteria: ACMG Guidelines, 2015. Collection method: curation. Allele origin: unknown. Affected: yes. Observed: 4 variant alleles.
Comment: This variant was identified in 4 unrelated patients with a clinically confirmed diagnosis of cystic fibrosis. The variant was classified in the context of a project re-classifying variants in the German Cystic Fibrosis Registry (Muko.e.V.). Criteria applied: PM2_SUP, PM3_STR, PP3, PP4

Counsyl
Classification: Likely pathogenic for Cystic fibrosis. Last evaluated: 2018-02-14. Review status: no assertion criteria provided. Collection method: clinical testing. Allele origin: unknown. Not counted in ClinVar's aggregate classification.

ClinVar Staff, National Center for Biotechnology Information (NCBI)
No classification provided. Condition: CFTR-related disorders. Review status: no classification provided. Collection method: literature only. Allele origin: germline. Affected: yes. Not counted in ClinVar's aggregate classification.

Literature cited by the submitters: PubMed 7525450 (cited by 5 submitters); PubMed 10922396 (cited by 4 submitters); PubMed 15638824 (cited by 3 submitters); PubMed 27214204 (cited by 3 submitters); PubMed 3 (cited by Ambry Genetics); PubMed 38388235 (cited by 3 submitters); PubMed 15772171 (cited by 3 submitters); PubMed 37686190 (cited by Natera, Inc.); PubMed 37560893 (cited by Natera, Inc.); PubMed 10923036 (cited by Counsyl); PubMed 26574590 (cited by Counsyl); PubMed 17968998 (cited by Counsyl); PubMed 23381846 (cited by Counsyl).

NM_000492.4(CFTR):c.3014T>G (p.Ile1005Arg)

Genes: CFTR (CF transmembrane conductance regulator; plus strand), CFTR-AS2 (CFTR antisense RNA 2; minus strand), LOC111674472 (DNase I hypersensitive sites in introns 16 and 17a of CFTR; plus strand). Cytogenetic location: 7q31.2.
Variant type: single nucleotide variant.
Coding change: c.3014T>G on transcript NM_000492.4 (MANE Select); coding-DNA position 3014, T replaced by G.
Protein change: p.Ile1005Arg; replaces isoleucine 1005 with arginine.
Molecular consequence: missense variant.
Genome position (GRCh38, 1-based): chr7:117,610,544, T>G. VCF-style: chr7-117610544-T-G. GRCh37 (hg19) VCF-style: chr7-117250598-T-G.
Other names: short protein forms I1005R.
Identifiers: ClinVar variation 53626 (VCV000053626.14), dbSNP rs397508479, ClinGen allele CA327012.